The following is an entry in ClinVar:

ClinVar aggregate classification (germline): Likely pathogenic (1 of 4 stars; one submission).

Conditions:
Pontocerebellar hypoplasia type 7. Identifiers: Orphanet 284339, MedGen C3554226, MONDO:0013993, OMIM 614969.

Allele frequency attached by ClinVar (database versions not stated): gnomAD exomes 0.00001; ExAC 0.00002; TOPMed 0.00003.

Submission:

Greenwood Genetic Center Diagnostic Laboratories, Greenwood Genetic Center
Classification: Likely pathogenic for Pontocerebellar hypoplasia type 7. Last evaluated: 2022-03-01. Review status: criteria provided, single submitter. Criteria: ACMG Guidelines, 2015. Collection method: clinical testing. Allele origin: germline. Affected: yes.
Comment: PVS1_Strong, PM2

NM_025077.4(TOE1):c.544C>T (p.Arg182Ter)

Gene: TOE1 (target of EGR1, exonuclease; plus strand). Cytogenetic location: 1p34.1.
Variant type: single nucleotide variant.
Coding change: c.544C>T on transcript NM_025077.4 (MANE Select); coding-DNA position 544, C replaced by T.
Protein change: p.Arg182Ter; replaces arginine 182 with a stop codon.
Molecular consequence: nonsense.
Genome position (GRCh38, 1-based): chr1:45,342,435, C>T. VCF-style: chr1-45342435-C-T. GRCh37 (hg19) VCF-style: chr1-45808107-C-T.
Other names: short protein forms R182*.
Identifiers: ClinVar variation 1676460 (VCV001676460.3), dbSNP rs752569685, ClinGen allele CA826602.